The following is an entry in ClinVar:

NM_001029883.3(PCARE):c.2421del (p.Leu808fs)

Gene: PCARE (photoreceptor cilium actin regulator; minus strand). Cytogenetic location: 2p23.2.
Variant type: Deletion.
Coding change: c.2421del on transcript NM_001029883.3 (MANE Select); coding-DNA position 2421, one base deleted (T; older notation c.2421delT).
Protein change: p.Leu808fs; shifts the reading frame from leucine 808.
Molecular consequence: frameshift variant.
Genome position (GRCh38, 1-based): chr2:29,071,841, A deleted on the plus strand (T on the coding strand, the reverse complement: PCARE is on the minus strand). VCF-style (leftmost placement, unchanged base first): chr2-29071840-GA-G. GRCh37 (hg19) VCF-style: chr2-29294706-GA-G.
Other names: short protein forms L808fs.
Identifiers: ClinVar variation 844048 (VCV000844048.9), dbSNP rs1667492589, ClinGen allele CA916082524.

ClinVar aggregate classification (germline): Pathogenic (1 of 4 stars; one submission).

Submission:

Labcorp Genetics (formerly Invitae), Labcorp
Classification: Pathogenic. Last evaluated: 2025-02-17. Review status: criteria provided, single submitter. Criteria: Invitae Variant Classification Sherloc (09022015). Collection method: clinical testing. Allele origin: germline.
Comment: This sequence change creates a premature translational stop signal (p.Leu808Cysfs*31) in the PCARE gene. It is expected to result in an absent or disrupted protein product. Loss-of-function variants in PCARE are known to be pathogenic (PMID: 20398886, 24339724, 26496393). This variant is not present in population databases (gnomAD no frequency). This variant has not been reported in the literature in individuals affected with PCARE-related conditions. ClinVar contains an entry for this variant (Variation ID: 844048). For these reasons, this variant has been classified as Pathogenic.

Literature cited by the submitters: PubMed 20398886; PubMed 24339724; PubMed 26496393.